The following is an entry in ClinVar:

NM_001567.4(INPPL1):c.2213-2A>C

Gene: INPPL1 (inositol polyphosphate phosphatase like 1; plus strand). Cytogenetic location: 11q13.4.
Variant type: single nucleotide variant.
Coding change: c.2213-2A>C on transcript NM_001567.4 (MANE Select); the canonical splice acceptor site of the intron before coding-DNA position 2213, A replaced by C.
Molecular consequence: splice acceptor variant.
Genome position (GRCh38, 1-based): chr11:72,234,279, A>C. VCF-style: chr11-72234279-A-C. GRCh37 (hg19) VCF-style: chr11-71945323-A-C.
Identifiers: ClinVar variation 1027944 (VCV001027944.5), dbSNP rs1948918434, ClinGen allele CA381733831.

ClinVar aggregate classification (germline): Pathogenic/Likely pathogenic. Review status: criteria provided, multiple submitters, no conflicts (2 of 4 stars). 2 submissions from 2 submitters: Pathogenic (1); Likely pathogenic (1). Last evaluated 2020-08-23.

Conditions:
Opsismodysplasia (OPSMD). Also called: INPPL1-Related Opsismodysplasia. Identifiers: Orphanet 2746, MedGen C0432219, MONDO:0009785, OMIM 258480.

Allele frequency attached by ClinVar (database versions not stated): gnomAD exomes below 0.00001.
gnomAD v4.1: 1 of 1,608,740 alleles (0.000062%); highest among the groups gnomAD compares: Non-Finnish European, 0.000085%; no homozygotes.

Submissions (2):

Revvity Omics, Revvity
Classification: Pathogenic for Opsismodysplasia. Last evaluated: 2020-08-23. Review status: criteria provided, single submitter. Criteria: ACMG Guidelines, 2015. Collection method: clinical testing. Allele origin: germline.

Baylor Genetics
Classification: Likely pathogenic for Opsismodysplasia. Last evaluated: 2020-02-13. Review status: criteria provided, single submitter. Criteria: ACMG Guidelines, 2015. Collection method: clinical testing. Allele origin: unknown. Affected: yes.
Comment: This variant was determined to be likely pathogenic according to ACMG Guidelines, 2015 [PMID:25741868].